The following is an entry in ClinVar:

ClinVar aggregate classification (germline): Pathogenic (1 of 4 stars; one submission).

Conditions:
Acyl-CoA oxidase deficiency. Also called: STRAIGHT-CHAIN ACYL-CoA OXIDASE DEFICIENCY; Pseudoneonatal adrenoleukodystrophy; Peroxisomal acyl-CoA oxidase deficiency. Identifiers: Orphanet 2971, MedGen C1849678, MONDO:0009919, OMIM 264470. Disease mechanism: loss of function.

Submission:

Baylor Genetics
Classification: Pathogenic for Acyl-CoA oxidase deficiency. Last evaluated: 2020-06-03. Review status: criteria provided, single submitter. Criteria: ACMG Guidelines, 2015. Collection method: clinical testing. Allele origin: unknown. Affected: yes.
Comment: This variant was determined to be pathogenic according to ACMG Guidelines, 2015 [PMID:25741868].

NM_004035.7(ACOX1):c.270-1_277delinsA

Gene: ACOX1 (acyl-CoA oxidase 1; minus strand). Cytogenetic location: 17q25.1.
Variant type: Indel.
Coding change: c.270-1_277delinsA on transcript NM_004035.7 (MANE Select); the canonical splice acceptor site of the intron before coding-DNA position 270 through coding-DNA position 277, GTTTTGTGC replaced by A.
Molecular consequence: splice acceptor variant. On other transcripts: intron variant (1).
Genome position (GRCh38, 1-based): chr17:75,960,368-75,960,376, GCACAAAAC replaced by T on the plus strand (GTTTTGTGC replaced by A on the coding strand, the reverse complement: ACOX1 is on the minus strand). VCF-style: chr17-75960368-GCACAAAAC-T. GRCh37 (hg19) VCF-style: chr17-73956449-GCACAAAAC-T.
Other names: c.431-2810_431-2802delinsA (NM_007292.6); c.156-1_163delinsA (NM_001185039.2).
Identifiers: ClinVar variation 1030736 (VCV001030736.1), dbSNP rs2065876254, ClinGen allele CA2275766814.